The following continues an entry in ClinVar:

NM_000053.4(ATP7B):c.2930C>T (p.Thr977Met)

Gene: ATP7B. ClinVar aggregate classification (germline): Pathogenic. Pathogenic (24).

Submissions 9 to 20 of 25:

New York Genome Center
Classification: Pathogenic for Wilson disease. Last evaluated: 2025-02-21. Review status: criteria provided, single submitter. Criteria: NYGC Assertion Criteria 2020. Collection method: clinical testing. Allele origin: inherited. Observed: 1 variant allele, 1 compound heterozygote.
Comment: The inherited c.2930C>T variant identified in the ATP7B gene is a single nucleotide variant predicted to replace a highly conserved Threonine with Methionine at amino acid 977 (of 1466; p.(Thr977Met)) within exon 13 of this 21-exon gene. This variant is found with low frequency in population database gnomADv4.1.0 (allele frequency: 1.75e-4, 0 homozygotes) suggesting it is not a common benign variant in the populations represented in that database. The c.2930C>T, p.(Thr977Met) variant in ATP7B is reported in ClinVar as Pathogenic with multiple submissions and no conflicts (VarID:35710) and has been reported in many affected individuals in the literature in both homozygous state [PMID:35103209, 12754702] as well as in compound heterozygosity with a second ATP7B variant [PMID:35220961, 32043565, 32291276, 12754702]. In silico algorithms predict this variant to be damaging to protein function (REVEL=0.89) and in vitro functional studies in yeast support that this variant leads to a non-functional protein [PMID:9837819]. Given the available evidence, the c.2930C>T, p.(Thr977Met) variant identified in the ATP7B gene is reported as Pathogenic.

Blueprint Genetics
Classification: Pathogenic for ATP7B-related disorders. Last evaluated: 2024-10-16. Review status: criteria provided, single submitter. Criteria: ACMG Guidelines, 2015. Collection method: clinical testing. Allele origin: germline. Affected: yes. Observed: 5 variant alleles.

All of Us Research Program, National Institutes of Health
Classification: Pathogenic for Wilson disease. Last evaluated: 2024-08-30. Review status: criteria provided, single submitter. Criteria: ACMG Guidelines, 2015. Collection method: clinical testing. Allele origin: germline. Inheritance: Autosomal recessive inheritance. Observed: 28 variant alleles, 28 heterozygotes.
Comment: This missense variant replaces threonine with methionine at codon 977 of the ATP7B protein. Computational prediction suggests that this variant may have deleterious impact on protein structure and function. This variant alters a residue in a transmembrane domain of the ATP7B protein (a.a. 970 - 1003), a highly conserved region that is considered to be important for ATP7B protein function (PMID: 35245129; ClinVar). Functional studies have shown that this variant disrupts the ability to rescue function in ccc2 knockout yeast cells (PMID: 9837819). This variant has been reported in many individuals affected with Wilson disease (PMID: 8938442, 9671269, 10502777, 11857545, 15967699, 17272994, 18483695, 20517649, 21610751, 21682854, 22774841, 23518715, 23551039, 23774950, 27022412, 28488633, 28753182, 29163329, 30230192, 31059521), including in several families where this variant co-segregated with disease (PMID: 22774841, 28488633). In a number of individuals, this variant was confirmed to be in the compound heterozygous state or the homozygous state (PMID: 8938442, 17272994, 20517649, 21682854, 22774841, 23518715, 28488633, 30230192, 31059521). This variant has been identified in 25/280830 chromosomes in the general population by the Genome Aggregation Database (gnomAD). Based on the available evidence, this variant is classified as Pathogenic.

This study involves interpretation of variants in research participants for the purpose of population health screening. Participant phenotype was not available at the time of variant classification. Additional details can be found in publication PMID: 35346344, PMCID: PMC8962531

Fulgent Genetics
Classification: Pathogenic for Wilson disease. Last evaluated: 2024-04-27. Review status: criteria provided, single submitter. Criteria: ACMG Guidelines, 2015. Collection method: clinical testing. Allele origin: germline.

Revvity Omics, Revvity
Classification: Pathogenic for Wilson disease. Last evaluated: 2024-04-23. Review status: criteria provided, single submitter. Criteria: ACMG Guidelines, 2015. Collection method: clinical testing. Allele origin: germline.

Color Diagnostics, LLC DBA Color Health
Classification: Pathogenic for Wilson disease. Last evaluated: 2024-03-28. Review status: criteria provided, single submitter. Criteria: ACMG Guidelines, 2015. Collection method: clinical testing. Allele origin: germline.
Comment: This missense variant replaces threonine with methionine at codon 977 of the ATP7B protein. Computational prediction suggests that this variant may have deleterious impact on protein structure and function. This variant alters a residue in a transmembrane domain of the ATP7B protein (a.a. 970 - 1003), a highly conserved region that is considered to be important for ATP7B protein function (PMID: 35245129ClinVar). Functional studies have shown that this variant disrupts the ability to rescue function in ccc2 knockout yeast cells (PMID: 9837819). This variant has been reported in many individuals affected with Wilson disease (PMID: 8938442, 9671269, 10502777, 11857545, 15967699, 17272994, 18483695, 20517649, 21610751, 21682854, 22774841, 23518715, 23551039, 23774950, 27022412, 28488633, 28753182, 29163329, 30230192, 31059521), including in several families where this variant co-segregated with disease (PMID: 22774841, 28488633). In a number of individuals, this variant was confirmed to be in the compound heterozygous state or the homozygous state (PMID: 8938442, 17272994, 20517649, 21682854, 22774841, 23518715, 28488633, 30230192, 31059521). This variant has been identified in 25/280830 chromosomes in the general population by the Genome Aggregation Database (gnomAD). Based on the available evidence, this variant is classified as Pathogenic.

Baylor Genetics
Classification: Pathogenic for Wilson disease. Last evaluated: 2024-03-27. Review status: criteria provided, single submitter. Criteria: ACMG Guidelines, 2015. Collection method: clinical testing. Allele origin: unknown.

Mayo Clinic Laboratories, Mayo Clinic
Classification: Pathogenic. Last evaluated: 2023-11-02. Review status: criteria provided, single submitter. Criteria: ACMG Guidelines, 2015. Collection method: clinical testing. Allele origin: germline.
Comment: PP3, PP4, PM2_moderate, PM3, PS3, PS4_moderate

Neuberg Centre For Genomic Medicine, NCGM
Classification: Pathogenic for Wilson disease. Last evaluated: 2023-07-22. Review status: criteria provided, single submitter. Criteria: ACMG Guidelines, 2015. Collection method: clinical testing. Allele origin: germline. Inheritance: Autosomal recessive inheritance. Affected: yes.
Comment: The missense c.2930C>T p.Thr977Met variant in ATP7B gene has been reported previously in homozygous and compound heterozygous states in multiple individuals affected with Wilson disease Li J, et al., 2020; Singh N, et al., 2019; Aggarwal A, et al., 2013; Abdelghaffar TY, et al., 2008. It has also been observed to segregate with disease in related individuals. Functional studies showed that this variant was unable to complement ccc2 yeast, further resulting in a nonfunctional protein Forbes JR & Cox DW. 1998. The p.Thr977Met variant is present with allele frequency of 0.008% in gnomAD Exomes. This variant has been submitted to the ClinVar database as Pathogenic multiple submissions. Multiple lines of computational evidence Polyphen - Probably Damaging, SIFT - Damaging and MutationTaster - Disease causing predict a damaging effect on protein structure and function for this variant. The reference amino acid at this position in ATP7B is predicted as conserved by GERP++ and PhyloP across 100 vertebrates. The amino acid Thr at position 977 is changed to a Met changing protein sequence and it might alter its composition and physico-chemical properties. For these reasons, this variant has been classified as Pathogenic.

Genome-Nilou Lab
Classification: Pathogenic for Wilson disease. Last evaluated: 2021-08-10. Review status: criteria provided, single submitter. Criteria: ACMG Guidelines, 2015. Collection method: clinical testing. Allele origin: germline. Affected: no.

Laboratory for Molecular Medicine, Mass General Brigham Personalized Medicine
Classification: Pathogenic for Wilson disease. Last evaluated: 2020-06-11. Review status: criteria provided, single submitter. Criteria: ACMG Guidelines, 2015. Collection method: clinical testing. Allele origin: germline.
Comment: The p.Thr977Met variant in ATP7B has been previously reported in many individuals with Wilson disease, including at least 3 homozygotes and 8 compound heterozygotes (Aggarwal 2013, Coffey 2013, Folhoffer 2007, Margarit 2005, Moller 2001, Waldenstrom 1996). This variant has been identified in 25/280830 of the total chromosomes in gnomAD, with the highest frequency of 0.016% (5/30592) of South Asian chromosomes. This frequency is low enough to be consistent with a recessive carrier frequency. A functional study indicated that this variant does not rescue CCC2 (homologous to ATP7A and ATP7B) null yeast cells (Forbes 1998). In addition computational prediction tools and conservation analysis suggest that this variant may impact the protein. In summary, this variant meets criteria to be classified as pathogenic for autosomal recessive Wilson disease. ACMG/AMP criteria applied: PM3_VeryStrong, PP4, PS3_Supporting.

Myriad Genetics, Inc.
Classification: Pathogenic for Wilson disease. Last evaluated: 2020-01-06. Review status: criteria provided, single submitter. Criteria: Myriad Women's Health Autosomal Recessive and X-Linked Classification Criteria (2019). Collection method: clinical testing. Allele origin: unknown.
Comment: NM_000053.3(ATP7B):c.2930C>T(T977M) is classified as pathogenic in the context of Wilson disease. Sources cited for classification include the following: PMID 23518715, 9837819 and 8938442. Classification of NM_000053.3(ATP7B):c.2930C>T(T977M) is based on the following criteria: This is a well-established pathogenic variant in the literature that has been observed more frequently in patients with clinical diagnoses than in healthy populations. Please note: this variant was assessed in the context of healthy population screening.